The following is an entry in ClinVar:

ClinVar aggregate classification (germline): Uncertain significance. Review status: criteria provided, multiple submitters, no conflicts (2 of 4 stars). 2 submissions from 2 submitters: Uncertain significance (2). Last evaluated 2023-12-05.

Conditions:
Hereditary cancer-predisposing syndrome. Also called: Neoplastic Syndromes, Hereditary; Tumor predisposition; Hereditary Cancer Syndrome; Hereditary neoplastic syndrome. Identifiers: Orphanet 140162, MedGen C0027672, MeSH D009386, MONDO:0015356.
Familial cancer of breast. Also called: BREAST CANCER, FAMILIAL; Hereditary breast cancer; hereditary breast carcinoma. Identifiers: Orphanet 227535, MedGen C0346153, MONDO:0016419, OMIM 114480. Disease mechanism: loss of function.

Allele frequency attached by ClinVar (database versions not stated): gnomAD exomes below 0.00001.

Submissions (2):

Color Diagnostics, LLC DBA Color Health
Classification: Uncertain significance for Hereditary cancer-predisposing syndrome. Last evaluated: 2023-12-05. Review status: criteria provided, single submitter. Criteria: ACMG Guidelines, 2015. Collection method: clinical testing. Allele origin: germline.
Comment: This missense variant replaces serine with cysteine at codon 106 of the PALB2 protein. Computational prediction suggests that this variant may not impact protein structure and function (internally defined REVEL score threshold <= 0.5, PMID: 27666373). To our knowledge, functional studies have not been reported for this variant. This variant has not been reported in individuals affected with PALB2-related disorders in the literature. This variant has been identified in 1/251072 chromosomes in the general population by the Genome Aggregation Database (gnomAD). The available evidence is insufficient to determine the role of this variant in disease conclusively. Therefore, this variant is classified as a Variant of Uncertain Significance.

Labcorp Genetics (formerly Invitae), Labcorp
Classification: Uncertain significance for Familial cancer of breast. Last evaluated: 2020-04-27. Review status: criteria provided, single submitter. Criteria: Invitae Variant Classification Sherloc (09022015). Collection method: clinical testing. Allele origin: germline.
Comment: In summary, the available evidence is currently insufficient to determine the role of this variant in disease. Therefore, it has been classified as a Variant of Uncertain Significance. Algorithms developed to predict the effect of missense changes on protein structure and function are either unavailable or do not agree on the potential impact of this missense change (SIFT: "Tolerated"; PolyPhen-2: "Probably Damaging"; Align-GVGD: "Class C0"). This sequence change replaces serine with cysteine at codon 106 of the PALB2 protein (p.Ser106Cys). The serine residue is moderately conserved and there is a moderate physicochemical difference between serine and cysteine. This variant is not present in population databases (ExAC no frequency). This variant has not been reported in the literature in individuals with PALB2-related conditions.

NM_024675.4(PALB2):c.317C>G (p.Ser106Cys)

Gene: PALB2 (partner and localizer of BRCA2; minus strand). Cytogenetic location: 16p12.2.
Variant type: single nucleotide variant.
Coding change: c.317C>G on transcript NM_024675.4 (MANE Select); coding-DNA position 317, C replaced by G.
Protein change: p.Ser106Cys; replaces serine 106 with cysteine.
Molecular consequence: missense variant.
Genome position (GRCh38, 1-based): chr16:23,636,229, G>C on the plus strand (C>G on the coding strand, the complement: PALB2 is on the minus strand). VCF-style: chr16-23636229-G-C. GRCh37 (hg19) VCF-style: chr16-23647550-G-C.
Other names: short protein forms S106C.
Identifiers: ClinVar variation 926117 (VCV000926117.14), dbSNP rs1484403594, ClinGen allele CA395138769.